The following is an entry in ClinVar:

NM_020937.4(FANCM):c.3077C>G (p.Ala1026Gly)

Gene: FANCM (FA complementation group M; plus strand). Cytogenetic location: 14q21.2.
Variant type: single nucleotide variant.
Coding change: c.3077C>G on transcript NM_020937.4 (MANE Select); coding-DNA position 3077, C replaced by G.
Protein change: p.Ala1026Gly; replaces alanine 1026 with glycine.
Molecular consequence: missense variant.
Genome position (GRCh38, 1-based): chr14:45,175,831, C>G. VCF-style: chr14-45175831-C-G. GRCh37 (hg19) VCF-style: chr14-45645034-C-G.
Other names: c.2999C>G, p.Ala1000Gly (NM_001308133.2); short protein forms A1026G, A1000G.
Identifiers: ClinVar variation 4254661 (VCV004254661.1).
Genomic context (GRCh38, chr14:45,175,831, plus strand): 5'-ACTTGGAATATGAAATTGCTAAGGGTACTGCACTTGAGAATTTGCTTTTCTTACCCTGTG[C>G]AGAGCATTTACGAAGTGATAAATGCACCTGTTTGCTGTCACATTCAGCTGTGAATTCTCA-3'
Protein context (NP_065988.1, residues 1016-1036): ALENLLFLPC[Ala1026Gly]EHLRSDKCTC

ClinVar aggregate classification (germline): Uncertain significance (1 of 4 stars; one submission).

Conditions:
Inborn genetic diseases. Identifiers: MedGen C0950123, MeSH D030342.

Submission:

Ambry Genetics
Classification: Uncertain significance for Inborn genetic diseases. Last evaluated: 2025-08-08. Review status: criteria provided, single submitter. Criteria: Ambry Variant Classification Scheme 2023. Collection method: clinical testing. Allele origin: germline.
Comment: The p.A1026G variant (also known as c.3077C>G), located in coding exon 14 of the FANCM gene, results from a C to G substitution at nucleotide position 3077. The alanine at codon 1026 is replaced by glycine, an amino acid with similar properties. This amino acid position is conserved. In addition, this alteration is predicted to be tolerated by in silico analysis. Based on the available evidence, the clinical significance of this variant remains unclear.